The following is an entry in ClinVar:

GRCh38/hg38 9p24.1(chr9:4970093-5483250)x1

Genes: CD274 (CD274 molecule; plus strand), INCR1 (interferon stimulated noncoding RNA 1; minus strand), INSL4 (insulin like 4; plus strand), INSL6 (insulin like 6; minus strand), JAK2 (Janus kinase 2; plus strand) and 14 more. Cytogenetic location: 9p24.1.
Variant type: copy number loss.
Change: copy number 1 (one copy instead of two) of chr9:4,970,093-5,483,250 (513.2 kb, GRCh38 coordinates, 1-based), cytogenetic band 9p24.1.
Identifiers: ClinVar variation 57439 (VCV000057439.1).

ClinVar aggregate classification (germline): Uncertain significance (1 of 4 stars; one submission).

Submission:

ISCA site 4
Classification: Uncertain significance. Last evaluated: 2011-08-12. Review status: criteria provided, single submitter. Criteria: Kaminsky et al. (Genet Med. 2011). Collection method: clinical testing. Allele origin: unknown. Affected: yes. Observed: 1 variant allele.
Comment: Copy number variation identified through the course of routine clinical cytogenomic testing in postnatal populations. Clinical assertions have been curated as described in Kaminsky et al. 2011.